The following is an entry in ClinVar:

ClinVar aggregate classification (germline): Likely benign. Review status: criteria provided, multiple submitters, no conflicts (2 of 4 stars). 2 submissions from 2 submitters: Likely benign (2). Last evaluated 2025-11-27.

Conditions:
Alstrom syndrome (ALMS). Identifiers: Orphanet 64, MedGen C0268425, MONDO:0008763, OMIM 203800.

Submissions (2):

Labcorp Genetics (formerly Invitae), Labcorp
Classification: Likely benign for Alstrom syndrome. Last evaluated: 2025-11-27. Review status: criteria provided, single submitter. Criteria: Invitae Variant Classification Sherloc (09022015). Collection method: clinical testing. Allele origin: germline.

GeneDx
Classification: Likely benign. Last evaluated: 2016-12-19. Review status: criteria provided, single submitter. Criteria: GeneDx Variant Classification (06012015). Collection method: clinical testing. Allele origin: germline. Affected: yes.
Comment: This variant is considered likely benign or benign based on one or more of the following criteria: it is a conservative change, it occurs at a poorly conserved position in the protein, it is predicted to be benign by multiple in silico algorithms, and/or has population frequency not consistent with disease.

NM_001378454.1(ALMS1):c.5634T>C (p.Val1878=)

Gene: ALMS1 (ALMS1 centrosome and basal body associated protein; plus strand). Cytogenetic location: 2p13.1.
Variant type: single nucleotide variant.
Coding change: c.5634T>C on transcript NM_001378454.1 (MANE Select); coding-DNA position 5634, T replaced by C.
Protein change: p.Val1878=; no amino-acid change (valine 1878 retained).
Molecular consequence: synonymous variant.
Genome position (GRCh38, 1-based): chr2:73,452,161, T>C. VCF-style: chr2-73452161-T-C. GRCh37 (hg19) VCF-style: chr2-73679288-T-C.
Other names: c.5637T>C, p.Val1879= (NM_015120.4).
Identifiers: ClinVar variation 391887 (VCV000391887.2), dbSNP rs1057524275, ClinGen allele CA16604373.